The following is an entry in ClinVar:

ClinVar aggregate classification (germline): Pathogenic (1 of 4 stars; one submission).

Conditions:
Ichthyosis linearis circumflexa. Identifiers: MedGen C0265962, MONDO:0043106, HP:0025810.

Submission:

Labcorp Genetics (formerly Invitae), Labcorp
Classification: Pathogenic for Ichthyosis linearis circumflexa. Last evaluated: 2025-04-22. Review status: criteria provided, single submitter. Criteria: Invitae Variant Classification Sherloc (09022015). Collection method: clinical testing. Allele origin: germline.
Comment: This sequence change creates a premature translational stop signal (p.Phe43Serfs*4) in the SPINK5 gene. It is expected to result in an absent or disrupted protein product. Loss-of-function variants in SPINK5 are known to be pathogenic (PMID: 11511292, 11841556). This variant is not present in population databases (gnomAD no frequency). This variant has not been reported in the literature in individuals affected with SPINK5-related conditions. Algorithms developed to predict the effect of sequence changes on RNA splicing suggest that this variant may disrupt the consensus splice site. For these reasons, this variant has been classified as Pathogenic.

Literature cited by the submitters: PubMed 11511292; PubMed 11841556.

NM_006846.4(SPINK5):c.128_132del (p.Phe43fs)

Gene: SPINK5 (serine peptidase inhibitor Kazal type 5; plus strand). Cytogenetic location: 5q32.
Variant type: Deletion.
Coding change: c.128_132del on transcript NM_006846.4 (MANE Select); coding-DNA positions 128 to 132, 5 bases deleted (TCTGT; older notation c.128_132delTCTGT).
Protein change: p.Phe43fs; shifts the reading frame from phenylalanine 43.
Molecular consequence: frameshift variant.
Genome position (GRCh38, 1-based): chr5:148,070,369-148,070,373, TCTGT deleted; deleting any 5 consecutive bases within chr5:148,070,365-148,070,373 gives the same sequence; the c. name uses the placement nearest the transcript's 3' end. VCF-style (leftmost placement, unchanged base first): chr5-148070364-ACTGTT-A. GRCh37 (hg19) VCF-style: chr5-147449927-ACTGTT-A.
Other names: c.128_132del, p.Phe43fs (NM_001127698.2, NM_001127699.2); short protein forms F43fs.
Identifiers: ClinVar variation 4717981 (VCV004717981.1).